The following is an entry in ClinVar:

ClinVar aggregate classification (germline): Likely benign (0 of 4 stars; one submission).

Conditions:
HARS2-related disorder. Also called: HARS2-related condition.

Submission:

PreventionGenetics, part of Exact Sciences
Classification: Likely benign for HARS2-related condition. Last evaluated: 2020-10-28. Review status: no assertion criteria provided. Collection method: clinical testing. Allele origin: germline.
Comment: This variant is classified as likely benign based on ACMG/AMP sequence variant interpretation guidelines (Richards et al. 2015 PMID: 25741868, with internal and published modifications).

NM_012208.4(HARS2):c.109-111del

Gene: HARS2 (histidyl-tRNA synthetase 2, mitochondrial; plus strand). Cytogenetic location: 5q31.3.
Variant type: Deletion.
Coding change: c.109-111del on transcript NM_012208.4 (MANE Select); 111 bases into the intron before coding-DNA position 109, one base deleted (C; older notation c.109-111delC).
Molecular consequence: intron variant.
Genome position (GRCh38, 1-based): chr5:140,693,480, C deleted; the last of 2 consecutive C bases (chr5:140,693,479-140,693,480); deleting either gives the same sequence. VCF-style (leftmost placement, unchanged base first): chr5-140693478-TC-T. GRCh37 (hg19) VCF-style: chr5-140073063-TC-T.
Other names: c.-202-11del (NM_001278732.2); c.109-11del (NM_001363535.2); c.109-455del (NM_001278731.2); c.-102-111del (NM_001363536.2).
Identifiers: ClinVar variation 3048804 (VCV003048804.2), dbSNP rs577099650, ClinGen allele CA3444284.